The following is an entry in ClinVar:

NC_000003.12:g.169764803G>A

Genes: TERC (telomerase RNA component; minus strand), LOC110806306 (telomerase RNA component (TERC) promoter; plus strand). Cytogenetic location: 3q26.2.
Variant type: single nucleotide variant.
Genome position: GRCh38 VCF-style: chr3-169764803-G-A. GRCh37 (hg19) VCF-style: chr3-169482591-G-A.
Identifiers: ClinVar variation 661443 (VCV000661443.11), dbSNP rs1577384186, ClinGen allele CA436715250.
Genomic context (GRCh38, chr3:169,764,803, plus strand): 5'-TGACAGAGCCCAACTCTTCGCGGTGGCAGTGGGTGCCTCCGGAGAAGCCCCGGGCCGACC[G>A]CGGCCTCCAGGCGGGGTTCGGGGGCTGGGCAGGCGACCCGCCGCAGGTCCCCGGGAGGGG-3'

ClinVar aggregate classification (germline): Uncertain significance (1 of 4 stars; one submission).

Conditions:
Dyskeratosis congenita, autosomal dominant 1 (DKCA1). Also called: Dyskeratosis congenita Scoggins type. Identifiers: Orphanet 1775, MedGen C4551974, MONDO:0007485, OMIM 127550. Inheritance: Variable.

Allele frequency attached by ClinVar (database versions not stated): TOPMed below 0.00001.
gnomAD v4.1: 1 of 730,784 alleles (0.00014%); no homozygotes.

Submission:

Labcorp Genetics (formerly Invitae), Labcorp
Classification: Uncertain significance for Dyskeratosis congenita, autosomal dominant 1. Last evaluated: 2026-01-12. Review status: criteria provided, single submitter. Criteria: Invitae Variant Classification Sherloc (09022015). Collection method: clinical testing. Allele origin: germline.
Comment: This variant occurs in the TERC gene, which encodes an RNA molecule that does not result in a protein product. This variant is not present in population databases (gnomAD no frequency). This variant has not been reported in the literature in individuals affected with TERC-related conditions. ClinVar contains an entry for this variant (Variation ID: 661443). This variant is located within the conserved regions 4 and 5 (CR4-CR5) domain of the TERC RNA component, which is required for telomerase activity (PMID: 15082312, 21844345). In summary, the available evidence is currently insufficient to determine the role of this variant in disease. Therefore, it has been classified as a Variant of Uncertain Significance.

Literature cited by the submitters: PubMed 15082312; PubMed 21844345.